The following is an entry in ClinVar:

ClinVar aggregate classification (germline): Likely pathogenic (1 of 4 stars; one submission).

Conditions:
LAMB3-related disorder. Also called: LAMB3-related condition.

Submission:

PreventionGenetics, part of Exact Sciences
Classification: Likely pathogenic for LAMB3-related condition. Last evaluated: 2026-06-08. Review status: criteria provided, single submitter. Criteria: ACMG Guidelines, 2015. Collection method: clinical testing. Allele origin: germline.
Comment: The LAMB3 c.3382+1G>C variant is predicted to disrupt the GT donor site and interfere with normal splicing. To our knowledge, this variant has not been reported in the literature or in a large population database (gnomAD), indicating this variant is rare. Variants that disrupt the consensus splice donor site in LAMB3 are expected to be pathogenic. This variant is interpreted as likely pathogenic.

NM_000228.3(LAMB3):c.3382+1G>C

Gene: LAMB3 (laminin subunit beta 3; minus strand). Cytogenetic location: 1q32.2.
Variant type: single nucleotide variant.
Coding change: c.3382+1G>C on transcript NM_000228.3 (MANE Select); the canonical splice donor site of the intron after coding-DNA position 3382, G replaced by C.
Molecular consequence: splice donor variant.
Genome position (GRCh38, 1-based): chr1:209,616,470, C>G on the plus strand (G>C on the coding strand, the complement: LAMB3 is on the minus strand). VCF-style: chr1-209616470-C-G. GRCh37 (hg19) VCF-style: chr1-209789815-C-G.
Other names: c.3382+1G>C (NM_001127641.1, NM_001017402.2).
Identifiers: ClinVar variation 4995012 (VCV004995012.1).